The following is an entry in ClinVar:

NM_001277115.2(DNAH11):c.13420C>G (p.Gln4474Glu)

Genes: CDCA7L (cell division cycle associated 7 like; minus strand), DNAH11 (dynein axonemal heavy chain 11; plus strand). Cytogenetic location: 7p15.3.
Variant type: single nucleotide variant.
Coding change: c.13420C>G on transcript NM_001277115.2 (MANE Select); coding-DNA position 13420, C replaced by G.
Protein change: p.Gln4474Glu; replaces glutamine 4474 with glutamic acid.
Molecular consequence: missense variant. On other transcripts: 3 prime UTR variant (3).
Genome position (GRCh38, 1-based): chr7:21,901,123, C>G. VCF-style: chr7-21901123-C-G. GRCh37 (hg19) VCF-style: chr7-21940741-C-G.
Other names: c.*1199G>C (NM_001127370.3, NM_001127371.3, NM_018719.5); c.13420C>G (NM_001277115.1); short protein forms Q4474E.
Identifiers: ClinVar variation 1971166 (VCV001971166.3), dbSNP rs1467862243, ClinGen allele CA366957030.

ClinVar aggregate classification (germline): Uncertain significance. Review status: criteria provided, multiple submitters, no conflicts (2 of 4 stars). 2 submissions from 2 submitters: Uncertain significance (2). Last evaluated 2025-11-19.

Conditions:
Primary ciliary dyskinesia. Also called: Ciliary dyskinesia. Identifiers: Orphanet 244, MedGen C0008780, MONDO:0016575, HP:0012265.

Submissions (2):

Ambry Genetics
Classification: Uncertain significance for Primary ciliary dyskinesia. Last evaluated: 2025-11-19. Review status: criteria provided, single submitter. Criteria: Ambry Variant Classification Scheme 2023. Collection method: clinical testing. Allele origin: germline.

Labcorp Genetics (formerly Invitae), Labcorp
Classification: Uncertain significance for Primary ciliary dyskinesia. Last evaluated: 2024-01-19. Review status: criteria provided, single submitter. Criteria: Invitae Variant Classification Sherloc (09022015). Collection method: clinical testing. Allele origin: germline.
Comment: This sequence change replaces glutamine, which is neutral and polar, with glutamic acid, which is acidic and polar, at codon 4474 of the DNAH11 protein (p.Gln4474Glu). This variant is not present in population databases (gnomAD no frequency). This variant has not been reported in the literature in individuals affected with DNAH11-related conditions. ClinVar contains an entry for this variant (Variation ID: 1971166). Advanced modeling of protein sequence and biophysical properties (such as structural, functional, and spatial information, amino acid conservation, physicochemical variation, residue mobility, and thermodynamic stability) performed at Invitae indicates that this missense variant is not expected to disrupt DNAH11 protein function with a negative predictive value of 95%. In summary, the available evidence is currently insufficient to determine the role of this variant in disease. Therefore, it has been classified as a Variant of Uncertain Significance.